The following is an entry in ClinVar:

NM_005633.4(SOS1):c.1681G>A (p.Glu561Lys)

Gene: SOS1 (SOS Ras/Rac guanine nucleotide exchange factor 1; minus strand). Cytogenetic location: 2p22.1.
Variant type: single nucleotide variant.
Coding change: c.1681G>A on transcript NM_005633.4 (MANE Select); coding-DNA position 1681, G replaced by A.
Protein change: p.Glu561Lys; replaces glutamic acid 561 with lysine.
Molecular consequence: missense variant.
Genome position (GRCh38, 1-based): chr2:39,022,747, C>T on the plus strand (G>A on the coding strand, the complement: SOS1 is on the minus strand). VCF-style: chr2-39022747-C-T. GRCh37 (hg19) VCF-style: chr2-39249888-C-T.
Other names: c.1660G>A, p.Glu554Lys (NM_001382394.1); c.1681G>A, p.Glu561Lys (NM_001382395.1); short protein forms E561K, E554K.
Identifiers: ClinVar variation 1028924 (VCV001028924.1), dbSNP rs1393222137, ClinGen allele CA346365631.

ClinVar aggregate classification (germline): Uncertain significance (1 of 4 stars; one submission).

Conditions:
Noonan syndrome 4 (NS4). Also called: SOS1-Related Noonan Syndrome; NOONAN SYNDROME WITH PIGMENTED VILLONODULAR SYNOVITIS. Identifiers: Orphanet 648, MedGen C1853120, MONDO:0012547, OMIM 610733.

Allele frequency attached by ClinVar (database versions not stated): gnomAD exomes below 0.00001; TOPMed below 0.00001; gnomAD 0.00001.
gnomAD v4.1: 3 of 1,613,684 alleles (0.00019%); highest among the groups gnomAD compares: African/African-American, 0.0027%; no homozygotes.

Submission:

Baylor Genetics
Classification: Uncertain significance for Noonan syndrome 4. Last evaluated: 2020-07-10. Review status: criteria provided, single submitter. Criteria: ACMG Guidelines, 2015. Collection method: clinical testing. Allele origin: unknown. Affected: yes.
Comment: This variant was determined to be of uncertain significance according to ACMG Guidelines, 2015 [PMID:25741868].